The following is an entry in ClinVar:

ClinVar aggregate classification (germline): Uncertain significance (1 of 4 stars; one submission).

Allele frequency attached by ClinVar (database versions not stated): gnomAD exomes 0.00001; ExAC 0.00002.

Submission:

GeneDx
Classification: Uncertain significance. Last evaluated: 2022-06-30. Review status: criteria provided, single submitter. Criteria: GeneDx Variant Classification Process June 2021. Collection method: clinical testing. Allele origin: germline. Affected: yes.
Comment: In silico analysis supports that this missense variant does not alter protein structure/function; Has not been previously published as pathogenic or benign to our knowledge; This variant is associated with the following publications: (PMID: 21520338, 31554319, 9590290)

NM_005422.4(TECTA):c.1748G>C (p.Gly583Ala)

Genes: TBCEL-TECTA (TBCEL-TECTA readthrough; plus strand), TECTA (tectorin alpha; plus strand). Cytogenetic location: 11q23.3.
Variant type: single nucleotide variant.
Coding change: c.1748G>C on transcript NM_005422.4 (MANE Select); coding-DNA position 1748, G replaced by C.
Protein change: p.Gly583Ala; replaces glycine 583 with alanine.
Molecular consequence: missense variant.
Genome position (GRCh38, 1-based): chr11:121,125,846, G>C. VCF-style: chr11-121125846-G-C. GRCh37 (hg19) VCF-style: chr11-120996555-G-C.
Other names: c.2705G>C, p.Gly902Ala (NM_001378761.1); short protein forms G583A, G902A.
Identifiers: ClinVar variation 1810093 (VCV001810093.1), dbSNP rs753634033, ClinGen allele CA6326819.